The following is an entry in ClinVar:

ClinVar aggregate classification (germline): Uncertain significance (1 of 4 stars; one submission).

Conditions:
Hyperekplexia 2 (HKPX2). Identifiers: Orphanet 3197, MedGen C3553291, MONDO:0013828, OMIM 614619.

Submission:

Labcorp Genetics (formerly Invitae), Labcorp
Classification: Uncertain significance for Hyperekplexia 2. Last evaluated: 2021-12-07. Review status: criteria provided, single submitter. Criteria: Invitae Variant Classification Sherloc (09022015). Collection method: clinical testing. Allele origin: germline.
Comment: In summary, the available evidence is currently insufficient to determine the role of this variant in disease. Therefore, it has been classified as a Variant of Uncertain Significance. Experimental studies and prediction algorithms are not available or were not evaluated, and the functional significance of this variant is currently unknown. This variant has not been reported in the literature in individuals affected with GLRB-related conditions. This variant is not present in population databases (gnomAD no frequency). This variant, c.844_846del, results in the deletion of 1 amino acid(s) of the GLRB protein (p.Val282del), but otherwise preserves the integrity of the reading frame.

NM_000824.5(GLRB):c.841GTT[1] (p.Val282del)

Gene: GLRB (glycine receptor beta; plus strand). Cytogenetic location: 4q32.1.
Variant type: Microsatellite.
Coding change: c.841GTT[1] on transcript NM_000824.5 (MANE Select); one copy of the 3-base unit GTT starting at c.841; the reference has two copies in a row; one copy, 3 bases deleted.
Protein change: p.Val282del; deletes valine 282.
Molecular consequence: inframe deletion.
Genome position (GRCh38, 1-based): chr4:157,143,899-157,143,901, GTT deleted; deleting any 3 consecutive bases within chr4:157,143,894-157,143,901 gives the same sequence; the position shown is the placement nearest the transcript's 3' end. VCF-style (leftmost placement, unchanged base first): chr4-157143893-ATTG-A. GRCh37 (hg19) VCF-style: chr4-158065045-ATTG-A.
Other names: c.841GTT[1], p.Val282del (NM_001166060.2, NM_001166061.2); short protein forms V282del.
Identifiers: ClinVar variation 2035662 (VCV002035662.3), dbSNP rs2530083081, ClinGen allele CA2580613483.